The following is an entry in ClinVar:

ClinVar aggregate classification (germline): Conflicting classifications of pathogenicity. Review status: criteria provided, conflicting classifications (1 of 4 stars). 7 submissions from 7 submitters: Uncertain significance (3); Likely benign (3). 1 of the submissions does not count toward it. Last evaluated 2026-01-28.

Conditions:
PKHD1-related disorder. Also called: PKHD1-related condition.
Inborn genetic diseases. Identifiers: MedGen C0950123, MeSH D030342.
Polycystic kidney disease 4 (PKD4). Also called: POLYCYSTIC KIDNEY AND HEPATIC DISEASE 1; POLYCYSTIC KIDNEY DISEASE, INFANTILE, TYPE I; POLYCYSTIC KIDNEY DISEASE 4 WITH OR WITHOUT POLYCYSTIC LIVER DISEASE; Autosomal Recessive Polycystic Kidney Disease – PKHD1; PKD3. Identifiers: MedGen C4540575, MONDO:0033004, OMIM 263200.
Autosomal recessive polycystic kidney disease (ARPKD). Also called: AR polycystic kidney disease. Identifiers: Orphanet 731, Orphanet 8378, MedGen C0085548, MeSH D017044, MONDO:0009889.

Allele frequency attached by ClinVar (database versions not stated): ExAC 0.00016; TOPMed 0.00017; gnomAD exomes 0.00018; gnomAD 0.00018 and 0.00021; 1000 Genomes Project 0.00040; ESP Exome Variant Server 0.00023; 1000 Genomes Project 30x 0.00031.
gnomAD v4.1: 273 of 1,612,286 alleles (0.017%); highest among the groups gnomAD compares: East Asian, 0.04%; 1 homozygote.

Submissions (7):

Labcorp Genetics (formerly Invitae), Labcorp
Classification: Likely benign for Autosomal recessive polycystic kidney disease. Last evaluated: 2026-01-28. Review status: criteria provided, single submitter. Criteria: Invitae Variant Classification Sherloc (09022015). Collection method: clinical testing. Allele origin: germline.

Ambry Genetics
Classification: Likely benign for Inborn genetic diseases. Last evaluated: 2024-02-28. Review status: criteria provided, single submitter. Criteria: Ambry Variant Classification Scheme 2023. Collection method: clinical testing. Allele origin: germline.

Fulgent Genetics
Classification: Likely benign for Polycystic kidney disease 4. Last evaluated: 2024-01-22. Review status: criteria provided, single submitter. Criteria: ACMG Guidelines, 2015. Collection method: clinical testing. Allele origin: germline.

Revvity Omics, Revvity
Classification: Uncertain significance for Polycystic kidney disease 4. Last evaluated: 2022-05-23. Review status: criteria provided, single submitter. Criteria: ACMG Guidelines, 2015. Collection method: clinical testing. Allele origin: germline.

Eurofins Ntd Llc (ga)
Classification: Uncertain significance. Last evaluated: 2017-05-05. Review status: criteria provided, single submitter. Criteria: EGL Classification Definitions 2015. Collection method: clinical testing. Allele origin: germline. Observed: 6 variant alleles, 6 heterozygotes.

CeGaT Center for Human Genetics Tuebingen
Classification: Uncertain significance. Last evaluated: 2016-11-01. Review status: criteria provided, single submitter. Criteria: CeGaT Center For Human Genetics Tuebingen Variant Classification Criteria Version 2. Collection method: clinical testing. Allele origin: germline. Affected: yes. Observed: 1 variant allele.

PreventionGenetics, part of Exact Sciences
Classification: Uncertain significance for PKHD1-related condition. Last evaluated: 2024-06-22. Review status: no assertion criteria provided. Collection method: clinical testing. Allele origin: germline. Not counted in ClinVar's aggregate classification.
Comment: The PKHD1 c.3241C>T variant is predicted to result in the amino acid substitution p.Arg1081Cys. To our knowledge, this variant has not been reported in the literature. This variant is reported in 0.065% of alleles in individuals of East Asian descent in gnomAD. At this time, the clinical significance of this variant is uncertain due to the absence of conclusive functional and genetic evidence.

NM_138694.4(PKHD1):c.3241C>T (p.Arg1081Cys)

Gene: PKHD1 (PKHD1 ciliary IPT domain containing fibrocystin/polyductin; minus strand). Cytogenetic location: 6p12.2.
Variant type: single nucleotide variant.
Coding change: c.3241C>T on transcript NM_138694.4 (MANE Select); coding-DNA position 3241, C replaced by T.
Protein change: p.Arg1081Cys; replaces arginine 1081 with cysteine.
Molecular consequence: missense variant.
Genome position (GRCh38, 1-based): chr6:52,033,153, G>A on the plus strand (C>T on the coding strand, the complement: PKHD1 is on the minus strand). VCF-style: chr6-52033153-G-A. GRCh37 (hg19) VCF-style: chr6-51897951-G-A.
Other names: c.3241C>T, p.Arg1081Cys (NM_170724.3); short protein forms R1081C.
Identifiers: ClinVar variation 96395 (VCV000096395.38), dbSNP rs200986136, ClinGen allele CA224066.